The following is an entry in ClinVar:

NM_000361.3(THBD):c.1465G>A (p.Asp489Asn)

Gene: THBD (thrombomodulin; minus strand). Cytogenetic location: 20p11.21.
Variant type: single nucleotide variant.
Coding change: c.1465G>A on transcript NM_000361.3 (MANE Select); coding-DNA position 1465, G replaced by A.
Protein change: p.Asp489Asn; replaces aspartic acid 489 with asparagine.
Molecular consequence: missense variant.
Genome position (GRCh38, 1-based): chr20:23,048,040, C>T on the plus strand (G>A on the coding strand, the complement: THBD is on the minus strand). VCF-style: chr20-23048040-C-T. GRCh37 (hg19) VCF-style: chr20-23028677-C-T.
Other names: short protein forms D489N.
Identifiers: ClinVar variation 4280490 (VCV004280490.1).

ClinVar aggregate classification (germline): Uncertain significance (1 of 4 stars; one submission).

Conditions:
Thrombomodulin-related bleeding disorder (THPH12). Also called: Thrombophilia due to thrombomodulin defect. Identifiers: Orphanet 436169, MedGen C3280976, MONDO:0013775, OMIM 614486.

Submission:

Genomenon, Inc
Classification: Uncertain significance for Thrombomodulin-related bleeding disorder. Last evaluated: 2025-09-22. Review status: criteria provided, single submitter. Criteria: Genomenon Sequence Variant Interpretation Standards - Updated. Collection method: curation. Allele origin: germline. Affected: no.
Comment: THBD p.Asp489Asn (c.1465G>A) is a missense variant that changes the amino acid at residue 489 from Aspartic acid to Asparagine. Functional studies have been reported; however, the significance of the findings remain unclear (PMID:25772620). It is absent or not present at a significant frequency in gnomAD. In silico models agree that this variant is not damaging. In conclusion, we classify THBD p.Asp489Asn (c.1465G>A) as a variant of unknown significance.

Literature cited by the submitters: PubMed 25772620.